The following is an entry in ClinVar:

NM_005228.5(EGFR):c.1498+3A>G

Gene: EGFR (epidermal growth factor receptor; plus strand). Cytogenetic location: 7p11.2.
Variant type: single nucleotide variant.
Coding change: c.1498+3A>G on transcript NM_005228.5 (MANE Select); 3 bases into the intron after coding-DNA position 1498, A replaced by G.
Molecular consequence: intron variant.
Genome position (GRCh38, 1-based): chr7:55,160,341, A>G. VCF-style: chr7-55160341-A-G. GRCh37 (hg19) VCF-style: chr7-55228034-A-G.
Other names: c.1363+3A>G (NM_001346899.2, NM_001346897.2); c.697+3A>G (NM_001346941.2); c.1498+3A>G (NM_001346898.2, NM_201284.2, NM_201282.2); c.1339+3A>G (NM_001346900.2).
Identifiers: ClinVar variation 5035800 (VCV005035800.1).

ClinVar aggregate classification (germline): Uncertain significance (1 of 4 stars; one submission).

Conditions:
Hereditary cancer-predisposing syndrome. Also called: Hereditary Cancer Syndrome; Neoplastic Syndromes, Hereditary; Tumor predisposition; Hereditary neoplastic syndrome. Identifiers: Orphanet 140162, MedGen C0027672, MeSH D009386, MONDO:0015356.

Submission:

Ambry Genetics
Classification: Uncertain significance for Hereditary cancer-predisposing syndrome. Last evaluated: 2026-07-27. Review status: criteria provided, single submitter. Criteria: Ambry Variant Classification Scheme 2023. Collection method: clinical testing. Allele origin: germline.
Comment: The c.1498+3A>G intronic variant results from an A to G substitution 3 nucleotides after coding exon 12 in the EGFR gene. This nucleotide position is not well conserved in available vertebrate species. In silico splice site analysis predicts that this alteration may weaken the native splice donor site. Based on the available evidence, the clinical significance of this variant remains unclear.